The following is an entry in ClinVar:

NM_004722.4(AP4M1):c.929+5G>A

Gene: AP4M1 (adaptor related protein complex 4 subunit mu 1; plus strand). Cytogenetic location: 7q22.1.
Variant type: single nucleotide variant.
Coding change: c.929+5G>A on transcript NM_004722.4 (MANE Select); 5 bases into the intron after coding-DNA position 929, G replaced by A.
Molecular consequence: intron variant.
Genome position (GRCh38, 1-based): chr7:100,105,544, G>A. VCF-style: chr7-100105544-G-A. GRCh37 (hg19) VCF-style: chr7-99703167-G-A.
Other names: c.950+5G>A (NM_001363671.2).
Identifiers: ClinVar variation 575767 (VCV000575767.22), dbSNP rs1293317548, ClinGen allele CA456713388.

ClinVar aggregate classification (germline): Conflicting classifications of pathogenicity. Review status: criteria provided, conflicting classifications (1 of 4 stars). 4 submissions from 4 submitters: Pathogenic (2); Uncertain significance (2). Last evaluated 2025-08-20.

Conditions:
Hereditary spastic paraplegia. Also called: Familial spastic paraparesis. Identifiers: Orphanet 685, MedGen C0037773, MONDO:0019064. Disease mechanism: loss of function.
Hereditary spastic paraplegia 50 (SPG50). Also called: Spastic paraplegia 50, autosomal recessive. Identifiers: Orphanet 280763, MedGen C2752008, MONDO:0013048, OMIM 612936.

Allele frequency attached by ClinVar (database versions not stated): gnomAD exomes below 0.00001; TOPMed 0.00001.

Submissions (4):

GeneDx
Classification: Pathogenic. Last evaluated: 2025-08-20. Review status: criteria provided, single submitter. Criteria: GeneDx Variant Classification Process June 2021. Collection method: clinical testing. Allele origin: germline. Affected: yes.
Comment: Not observed at significant frequency in large population cohorts (gnomAD); In silico analysis supports a deleterious effect on splicing; RNA studies demonstrate a damaging effect leading to a frameshift and nonsense-mediated decay (PMID: 33001864); This variant is associated with the following publications: (PMID: 33001864, 39333051)

Labcorp Genetics (formerly Invitae), Labcorp
Classification: Pathogenic for Hereditary spastic paraplegia 50. Last evaluated: 2024-08-05. Review status: criteria provided, single submitter. Criteria: Invitae Variant Classification Sherloc (09022015). Collection method: clinical testing. Allele origin: germline.
Comment: This sequence change falls in intron 11 of the AP4M1 gene. It does not directly change the encoded amino acid sequence of the AP4M1 protein. It affects a nucleotide within the consensus splice site. This variant is present in population databases (no rsID available, gnomAD 0.003%). This variant has been observed in individuals with clinical features of hereditary spastic paraplegia (PMID: 33001864; Invitae). It has also been observed to segregate with disease in related individuals. ClinVar contains an entry for this variant (Variation ID: 575767). Studies have shown that this variant alters AP4M1 gene expression (PMID: 33001864). Variants that disrupt the consensus splice site are a relatively common cause of aberrant splicing (PMID: 17576681, 9536098). Algorithms developed to predict the effect of sequence changes on RNA splicing suggest that this variant may disrupt the consensus splice site. For these reasons, this variant has been classified as Pathogenic.

Genome Diagnostics Laboratory, The Hospital for Sick Children
Classification: Uncertain significance for Hereditary spastic paraplegia. Last evaluated: 2019-06-01. Review status: criteria provided, single submitter. Criteria: ACMG Guidelines, 2015. Collection method: clinical testing. Allele origin: germline. Affected: yes.

Undiagnosed Diseases Network, NIH
Classification: Uncertain significance for Hereditary spastic paraplegia 50. Last evaluated: 2018-10-10. Review status: criteria provided, single submitter. Criteria: ACMG Guidelines, 2015. Collection method: clinical testing. Allele origin: inherited. Inheritance: Autosomal recessive inheritance. Affected: yes. Observed: 1 variant allele, 1 homozygote.

Literature cited by the submitters: PubMed 33001864 (cited by Labcorp Genetics (formerly Invitae), Labcorp); PubMed 17576681 (cited by Labcorp Genetics (formerly Invitae), Labcorp); PubMed 9536098 (cited by Labcorp Genetics (formerly Invitae), Labcorp).